The following is an entry in ClinVar:

NM_207346.3(TSEN54):c.946C>T (p.Arg316Cys)

Gene: TSEN54 (tRNA splicing endonuclease subunit 54; plus strand). Cytogenetic location: 17q25.1.
Variant type: single nucleotide variant.
Coding change: c.946C>T on transcript NM_207346.3 (MANE Select); coding-DNA position 946, C replaced by T.
Protein change: p.Arg316Cys; replaces arginine 316 with cysteine.
Molecular consequence: missense variant.
Genome position (GRCh38, 1-based): chr17:75,522,027, C>T. VCF-style: chr17-75522027-C-T. GRCh37 (hg19) VCF-style: chr17-73518108-C-T.
Other names: c.946C>T (NM_207346.2); short protein forms R316C.
Identifiers: ClinVar variation 1385645 (VCV001385645.9), dbSNP rs377207901, ClinGen allele CA8764309.

ClinVar aggregate classification (germline): Uncertain significance. Review status: criteria provided, multiple submitters, no conflicts (2 of 4 stars). 3 submissions from 3 submitters: Uncertain significance (3). Last evaluated 2025-08-12.

Conditions:
Inborn genetic diseases. Identifiers: MedGen C0950123, MeSH D030342.
Pontocerebellar hypoplasia type 4 (PCH4). Also called: Pontocerebellar Hypoplasia Type 4 (PCH4). Identifiers: Orphanet 166063, MedGen C1856974, MONDO:0009166, OMIM 225753.
Pontocerebellar hypoplasia type 2A (PCH2A). Also called: PONTOCEREBELLAR HYPOPLASIA WITH PROGRESSIVE CEREBRAL ATROPHY; VOLENDAM NEURODEGENERATIVE DISEASE. Identifiers: Orphanet 2524, MedGen C1848526, MONDO:0010190, OMIM 277470.
Pontocerebellar hypoplasia type 5 (PCH5). Also called: Pontocerebellar Hypoplasia Type 5 (PCH5). Identifiers: Orphanet 166068, MedGen C1857762, MONDO:0012438, OMIM 610204.

Allele frequency attached by ClinVar (database versions not stated): gnomAD exomes 0.00007; ExAC 0.00008; ESP Exome Variant Server 0.00008; gnomAD 0.00012 and 0.00014; TOPMed 0.00012.

Submissions (3):

Ambry Genetics
Classification: Uncertain significance for Inborn genetic diseases. Last evaluated: 2025-08-12. Review status: criteria provided, single submitter. Criteria: Ambry Variant Classification Scheme 2023. Collection method: clinical testing. Allele origin: germline.

Labcorp Genetics (formerly Invitae), Labcorp
Classification: Uncertain significance. Last evaluated: 2024-11-11. Review status: criteria provided, single submitter. Criteria: Invitae Variant Classification Sherloc (09022015). Collection method: clinical testing. Allele origin: germline.
Comment: This sequence change replaces arginine, which is basic and polar, with cysteine, which is neutral and slightly polar, at codon 316 of the TSEN54 protein (p.Arg316Cys). The frequency data for this variant in the population databases is considered unreliable, as metrics indicate poor data quality at this position in the gnomAD database. This variant has not been reported in the literature in individuals affected with TSEN54-related conditions. ClinVar contains an entry for this variant (Variation ID: 1385645). Invitae Evidence Modeling of protein sequence and biophysical properties (such as structural, functional, and spatial information, amino acid conservation, physicochemical variation, residue mobility, and thermodynamic stability) indicates that this missense variant is not expected to disrupt TSEN54 protein function with a negative predictive value of 95%. In summary, the available evidence is currently insufficient to determine the role of this variant in disease. Therefore, it has been classified as a Variant of Uncertain Significance.

Fulgent Genetics
Classification: Uncertain significance for Pontocerebellar hypoplasia type 4; Pontocerebellar hypoplasia type 2A; Pontocerebellar hypoplasia type 5. Last evaluated: 2021-07-02. Review status: criteria provided, single submitter. Criteria: ACMG Guidelines, 2015. Collection method: clinical testing. Allele origin: unknown.